The following is an entry in ClinVar:

ClinVar aggregate classification (germline): Uncertain significance (1 of 4 stars; one submission).

Conditions:
Brugada syndrome 4 (BRGDA4). Identifiers: Orphanet 130, MedGen C2678477, MONDO:0012743, OMIM 611876.

Allele frequency attached by ClinVar (database versions not stated): gnomAD exomes below 0.00001.
gnomAD v4.1: 1 of 1,614,150 alleles (0.000062%); highest among the groups gnomAD compares: Non-Finnish European, 0.000085%; no homozygotes.

Submission:

Labcorp Genetics (formerly Invitae), Labcorp
Classification: Uncertain significance for Brugada syndrome 4. Last evaluated: 2022-03-13. Review status: criteria provided, single submitter. Criteria: Invitae Variant Classification Sherloc (09022015). Collection method: clinical testing. Allele origin: germline.
Comment: In summary, the available evidence is currently insufficient to determine the role of this variant in disease. Therefore, it has been classified as a Variant of Uncertain Significance. Algorithms developed to predict the effect of missense changes on protein structure and function (SIFT, PolyPhen-2, Align-GVGD) all suggest that this variant is likely to be tolerated. This variant has not been reported in the literature in individuals affected with CACNB2-related conditions. This variant is not present in population databases (gnomAD no frequency). This sequence change replaces isoleucine, which is neutral and non-polar, with threonine, which is neutral and polar, at codon 7 of the CACNB2 protein (p.Ile7Thr).

NM_201590.3(CACNB2):c.20T>C (p.Ile7Thr)

Gene: CACNB2 (calcium voltage-gated channel auxiliary subunit beta 2; plus strand). Cytogenetic location: 10p12.32.
Variant type: single nucleotide variant.
Coding change: c.20T>C on transcript NM_201590.3 (MANE Plus Clinical); coding-DNA position 20, T replaced by C.
Protein change: p.Ile7Thr; replaces isoleucine 7 with threonine.
Molecular consequence: missense variant. On other transcripts: intron variant (8).
Genome position (GRCh38, 1-based): chr10:18,340,946, T>C. VCF-style: chr10-18340946-T-C. GRCh37 (hg19) VCF-style: chr10-18629875-T-C.
Other names: c.130-60978T>C (NM_201571.4, NM_001167945.2, NM_201572.4); c.214-60978T>C (NM_201596.3, NM_201593.3, NM_201597.3); c.49-60978T>C (NM_000724.4, NM_001330060.2); short protein forms I7T.
Identifiers: ClinVar variation 1523942 (VCV001523942.8), dbSNP rs1006602326, ClinGen allele CA203508800.